The following is an entry in ClinVar:

NM_201384.3(PLEC):c.13277G>A (p.Arg4426His)

Gene: PLEC (plectin; minus strand). Cytogenetic location: 8q24.3.
Variant type: single nucleotide variant.
Coding change: c.13277G>A on transcript NM_201384.3 (MANE Select); coding-DNA position 13277, G replaced by A.
Protein change: p.Arg4426His; replaces arginine 4426 with histidine.
Molecular consequence: missense variant.
Genome position (GRCh38, 1-based): chr8:143,916,544, C>T on the plus strand (G>A on the coding strand, the complement: PLEC is on the minus strand). VCF-style: chr8-143916544-C-T. GRCh37 (hg19) VCF-style: chr8-144990712-C-T.
Other names: c.13289G>A, p.Arg4430His (NM_201383.3); c.13211G>A, p.Arg4404His (NM_201379.3); c.13688G>A, p.Arg4563His (NM_201380.4); c.13181G>A, p.Arg4394His (NM_201381.3); c.13277G>A, p.Arg4426His (NM_201382.4); c.13358G>A (NM_000445.3); c.13358G>A, p.Arg4453His (NM_000445.5); c.13235G>A, p.Arg4412His (NM_201378.4); short protein forms R4394H, R4404H, R4412H, R4426H, R4430H, R4453H, R4563H.
Identifiers: ClinVar variation 1054870 (VCV001054870.11), dbSNP rs782384228, ClinGen allele CA4923854.

ClinVar aggregate classification (germline): Uncertain significance. Review status: criteria provided, multiple submitters, no conflicts (2 of 4 stars). 3 submissions from 3 submitters: Uncertain significance (3). Last evaluated 2026-08-01.

Conditions:
Autosomal recessive limb-girdle muscular dystrophy type 2Q (LGMDR17). Also called: MUSCULAR DYSTROPHY, LIMB-GIRDLE, AUTOSOMAL RECESSIVE 17. Identifiers: Orphanet 254361, MedGen C3150989, MONDO:0013390, OMIM 613723.
Epidermolysis bullosa simplex 5B, with muscular dystrophy (EBS5B). Also called: Epidermolysis bullosa simplex with muscular dystrophy; EPIDERMOLYSIS BULLOSA SIMPLEX AND LIMB-GIRDLE MUSCULAR DYSTROPHY. Identifiers: Orphanet 257, MedGen C2931072, MONDO:0009181, OMIM 226670.
Epidermolysis bullosa simplex, Ogna type (EBS5A). Also called: Pidermolysis bullosa simplex 5A, Ogna type; EPIDERMOLYSIS BULLOSA SIMPLEX 5A, OGNA TYPE. Identifiers: Orphanet 79401, MedGen C0432317, MONDO:0007555, OMIM 131950.
Epidermolysis bullosa simplex with nail dystrophy (EBS5D). Identifiers: MedGen C4225309, MONDO:0014661, OMIM 616487.
Epidermolysis bullosa simplex 5C, with pyloric atresia (EBS5C). Also called: PLEC-Related Epidermolysis Bullosa with Pyloric Atresia; Epidermolysis bullosa simplex with pyloric atresia; PLEC1-Related Epidermolysis Bullosa with Pyloric Atresia. Identifiers: Orphanet 158684, MedGen C2677349, MONDO:0012807, OMIM 612138.

Allele frequency attached by ClinVar (database versions not stated): ExAC 0.00001; gnomAD exomes 0.00001 and 0.00002; TOPMed 0.00002.
gnomAD v4.1: 13 of 1,611,810 alleles (0.00081%); highest among the groups gnomAD compares: Admixed American, 0.0033%; no homozygotes.

Submissions (3):

CeGaT Center for Human Genetics Tuebingen
Classification: Uncertain significance. Last evaluated: 2026-08-01. Review status: criteria provided, single submitter. Criteria: CeGaT Center For Human Genetics Tuebingen Variant Classification Criteria Version 2. Collection method: clinical testing. Allele origin: germline. Affected: yes. Observed: 1 variant allele.
Comment: PLEC: PM2

Labcorp Genetics (formerly Invitae), Labcorp
Classification: Uncertain significance for Autosomal recessive limb-girdle muscular dystrophy type 2Q; Epidermolysis bullosa simplex, Ogna type; Epidermolysis bullosa simplex with nail dystrophy; Epidermolysis bullosa simplex 5C, with pyloric atresia; Epidermolysis bullosa simplex 5B, with muscular dystrophy. Last evaluated: 2025-10-02. Review status: criteria provided, single submitter. Criteria: Invitae Variant Classification Sherloc (09022015). Collection method: clinical testing. Allele origin: germline.
Comment: This sequence change replaces arginine, which is basic and polar, with histidine, which is basic and polar, at codon 4453 of the PLEC protein (p.Arg4453His). This variant is present in population databases (rs782384228, gnomAD 0.007%). This variant has not been reported in the literature in individuals affected with PLEC-related conditions. ClinVar contains an entry for this variant (Variation ID: 1054870). Invitae Evidence Modeling of protein sequence and biophysical properties (such as structural, functional, and spatial information, amino acid conservation, physicochemical variation, residue mobility, and thermodynamic stability) indicates that this missense variant is not expected to disrupt PLEC protein function with a negative predictive value of 80%. In summary, the available evidence is currently insufficient to determine the role of this variant in disease. Therefore, it has been classified as a Variant of Uncertain Significance.

GeneDx
Classification: Uncertain significance. Last evaluated: 2023-08-31. Review status: criteria provided, single submitter. Criteria: GeneDx Variant Classification Process June 2021. Collection method: clinical testing. Allele origin: germline. Affected: yes.
Comment: Not observed at significant frequency in large population cohorts (gnomAD); In silico analysis supports that this missense variant does not alter protein structure/function; Has not been previously published as pathogenic or benign to our knowledge